The following is an entry in ClinVar:

NM_006230.4(POLD2):c.671G>A (p.Gly224Glu)

Gene: POLD2 (DNA polymerase delta 2, accessory subunit; minus strand). Cytogenetic location: 7p13.
Variant type: single nucleotide variant.
Coding change: c.671G>A on transcript NM_006230.4 (MANE Select); coding-DNA position 671, G replaced by A.
Protein change: p.Gly224Glu; replaces glycine 224 with glutamic acid.
Molecular consequence: missense variant.
Genome position (GRCh38, 1-based): chr7:44,116,926, C>T on the plus strand (G>A on the coding strand, the complement: POLD2 is on the minus strand). VCF-style: chr7-44116926-C-T. GRCh37 (hg19) VCF-style: chr7-44156525-C-T.
Other names: c.671G>A, p.Gly224Glu (NM_001127218.3, NM_001256879.2); short protein forms G224E.
Identifiers: ClinVar variation 3723412 (VCV003723412.2).

ClinVar aggregate classification (germline): Uncertain significance (1 of 4 stars; one submission).

Submission:

Labcorp Genetics (formerly Invitae), Labcorp
Classification: Uncertain significance. Last evaluated: 2024-10-21. Review status: criteria provided, single submitter. Criteria: Invitae Variant Classification Sherloc (09022015). Collection method: clinical testing. Allele origin: germline.
Comment: This sequence change replaces glycine, which is neutral and non-polar, with glutamic acid, which is acidic and polar, at codon 259 of the POLD2 protein (p.Gly259Glu). This variant is present in population databases (no rsID available, gnomAD 0.005%). This variant has not been reported in the literature in individuals affected with POLD2-related conditions. Experimental studies and prediction algorithms are not available or were not evaluated, and the functional significance of this variant is currently unknown. In summary, the available evidence is currently insufficient to determine the role of this variant in disease. Therefore, it has been classified as a Variant of Uncertain Significance.